The following is an entry in ClinVar:

ClinVar aggregate classification (germline): Uncertain significance. Review status: criteria provided, multiple submitters, no conflicts (2 of 4 stars). 2 submissions from 2 submitters: Uncertain significance (2). Last evaluated 2024-10-23.

Conditions:
Tuberous sclerosis 1 (TSC1). Identifiers: Orphanet 805, MedGen C1854465, MONDO:0008612, OMIM 191100.

Submissions (2):

Blueprint Genetics
Classification: Uncertain significance. Last evaluated: 2024-10-23. Review status: criteria provided, single submitter. Criteria: ACMG Guidelines, 2015. Collection method: clinical testing. Allele origin: germline.

Labcorp Genetics (formerly Invitae), Labcorp
Classification: Uncertain significance for Tuberous sclerosis 1. Last evaluated: 2021-10-28. Review status: criteria provided, single submitter. Criteria: Invitae Variant Classification Sherloc (09022015). Collection method: clinical testing. Allele origin: germline.
Comment: In summary, the available evidence is currently insufficient to determine the role of this variant in disease. Therefore, it has been classified as a Variant of Uncertain Significance. Algorithms developed to predict the effect of missense changes on protein structure and function are either unavailable or do not agree on the potential impact of this missense change (SIFT: "Tolerated"; PolyPhen-2: "Probably Damaging"; Align-GVGD: "Class C0"). This variant has not been reported in the literature in individuals affected with TSC1-related conditions. This variant is not present in population databases (gnomAD no frequency). This sequence change replaces glycine, which is neutral and non-polar, with aspartic acid, which is acidic and polar, at codon 94 of the TSC1 protein (p.Gly94Asp).

NM_000368.5(TSC1):c.281G>A (p.Gly94Asp)

Gene: TSC1 (TSC complex subunit 1; minus strand). Cytogenetic location: 9q34.13.
Variant type: single nucleotide variant.
Coding change: c.281G>A on transcript NM_000368.5 (MANE Select); coding-DNA position 281, G replaced by A.
Protein change: p.Gly94Asp; replaces glycine 94 with aspartic acid.
Molecular consequence: missense variant. On other transcripts: 5 prime UTR variant (1), intron variant (1).
Genome position (GRCh38, 1-based): chr9:132,925,669, C>T on the plus strand (G>A on the coding strand, the complement: TSC1 is on the minus strand). VCF-style: chr9-132925669-C-T. GRCh37 (hg19) VCF-style: chr9-135801056-C-T.
Other names: c.281G>A, p.Gly94Asp (NM_001162426.2); c.-83G>A (NM_001362177.2); c.210+1532G>A (NM_001162427.2); short protein forms G94D.
Identifiers: ClinVar variation 1389830 (VCV001389830.7), dbSNP rs2132234443, ClinGen allele CA375374601.
Genomic context (GRCh38, chr9:132,925,669, plus strand): 5'-GGCAAAAGAGGTGCTTGAGAGAGCTTATGCTTCCAAGATGGCTGCAGTCTTATGACATGA[C>T]CCAGTAACGAGAGGATGGATAAACGAGTGGCGGCTTTGCCCACATATTCGTTAATCCTGT-3'
Protein context (NP_000359.1, residues 84-104): ATRLSILSLL[Gly94Asp]HVIRLQPSWK